The following is an entry in ClinVar:

ClinVar aggregate classification (germline): Uncertain significance (1 of 4 stars; one submission).

Submission:

Labcorp Genetics (formerly Invitae), Labcorp
Classification: Uncertain significance. Last evaluated: 2024-04-03. Review status: criteria provided, single submitter. Criteria: Invitae Variant Classification Sherloc (09022015). Collection method: clinical testing. Allele origin: germline.
Comment: This sequence change replaces arginine, which is basic and polar, with proline, which is neutral and non-polar, at codon 268 of the IHH protein (p.Arg268Pro). This variant is not present in population databases (gnomAD no frequency). This variant has not been reported in the literature in individuals affected with IHH-related conditions. Advanced modeling of protein sequence and biophysical properties (such as structural, functional, and spatial information, amino acid conservation, physicochemical variation, residue mobility, and thermodynamic stability) performed at Invitae indicates that this missense variant is expected to disrupt IHH protein function with a positive predictive value of 80%. In summary, the available evidence is currently insufficient to determine the role of this variant in disease. Therefore, it has been classified as a Variant of Uncertain Significance.

NM_002181.4(IHH):c.803G>C (p.Arg268Pro)

Gene: IHH (Indian hedgehog signaling molecule; minus strand). Cytogenetic location: 2q35.
Variant type: single nucleotide variant.
Coding change: c.803G>C on transcript NM_002181.4 (MANE Select); coding-DNA position 803, G replaced by C.
Protein change: p.Arg268Pro; replaces arginine 268 with proline.
Molecular consequence: missense variant.
Genome position (GRCh38, 1-based): chr2:219,055,640, C>G on the plus strand (G>C on the coding strand, the complement: IHH is on the minus strand). VCF-style: chr2-219055640-C-G. GRCh37 (hg19) VCF-style: chr2-219920362-C-G.
Other names: short protein forms R268P.
Identifiers: ClinVar variation 3648748 (VCV003648748.2).
Genomic context (GRCh38, chr2:219,055,640, plus strand): 5'-GCTGCCGGCTCCGTGTGATTGTCAGCCGTAAAGAGCAGGTGAGCGGGTGTGAGTGCCAGG[C>G]GGCGTGGGGGGTCCTGAGTCTCGATGACCTGGAAGGCTCTCAGCCTGTGAGGCTCGCGGT-3'
Protein context (NP_002172.2, residues 258-278): QVIETQDPPR[Arg268Pro]LALTPAHLLF